The following is an entry in ClinVar:

ClinVar aggregate classification (germline): Likely pathogenic (1 of 4 stars; one submission).

Conditions:
Hereditary cancer-predisposing syndrome. Also called: Neoplastic Syndromes, Hereditary; Tumor predisposition; Hereditary Cancer Syndrome; Hereditary neoplastic syndrome. Identifiers: Orphanet 140162, MedGen C0027672, MeSH D009386, MONDO:0015356.

Submission:

Ambry Genetics
Classification: Likely pathogenic for Hereditary cancer-predisposing syndrome. Last evaluated: 2024-09-18. Review status: criteria provided, single submitter. Criteria: Ambry Variant Classification Scheme 2023. Collection method: clinical testing. Allele origin: germline.
Comment: The c.2205_2206dupAC variant, located in coding exon 8 of the AXIN2 gene, results from a duplication of AC at nucleotide position 2205, causing a translational frameshift with a predicted alternate stop codon (p.P736Hfs*47). Based on internal structural analysis using published crystal structures, this alteration deletes or alters a region crucial to protein function (Kishida S et al. Mol. Cell. Biol., 1999 Jun;19:4414-22; Sakanaka C et al. J. Biol. Chem., 1999 May;274:14090-3; Julius MA et al. Biochem. Biophys. Res. Commun., 2000 Oct;276:1162-9; Fukui A et al. Dev. Growth Differ., 2000 Oct;42:489-98). This alteration is expected to result in loss of function by premature protein truncation or nonsense-mediated mRNA decay. Based on the majority of available evidence to date, this variant is likely to be pathogenic.

Literature cited by the submitters: PubMed 10318824; PubMed 10330181; PubMed 11027605; PubMed 11041490.

NM_004655.4(AXIN2):c.2205_2206dup (p.Pro736fs)

Gene: AXIN2 (axin 2; minus strand). Cytogenetic location: 17q24.1.
Variant type: Microsatellite.
Coding change: c.2205_2206dup on transcript NM_004655.4 (MANE Select); coding-DNA positions 2205 to 2206, 2 bases duplicated (AC; older notation c.2205_2206dupAC).
Protein change: p.Pro736fs; shifts the reading frame from proline 736.
Molecular consequence: frameshift variant.
Genome position (GRCh38, 1-based): chr17:65,535,657-65,535,658, GT duplicated on the plus strand (AC on the coding strand, the reverse complement: AXIN2 is on the minus strand); duplicating any 2 consecutive bases within chr17:65,535,657-65,535,661 gives the same sequence; the c. name uses the placement nearest the transcript's 3' end. VCF-style (leftmost placement, unchanged base first): chr17-65535656-G-GGT. GRCh37 (hg19) VCF-style: chr17-63531774-G-GGT.
Other names: c.2010_2011dup, p.Pro671fs (NM_001363813.1); c.2202_2203CA[3], p.Pro736Hisfs (NM_004655.3); c.2205_2206dupAC (NM_004655.3); short protein forms P736fs, P671fs.
Identifiers: ClinVar variation 1787678 (VCV001787678.3), dbSNP rs2509396878, ClinGen allele CA2580613220.